The following is an entry in ClinVar:

ClinVar aggregate classification (germline): Likely benign. Review status: criteria provided, multiple submitters, no conflicts (2 of 4 stars). 3 submissions from 3 submitters: Likely benign (3). Last evaluated 2023-09-09.

Conditions:
Hereditary cancer-predisposing syndrome. Also called: Hereditary neoplastic syndrome; Neoplastic Syndromes, Hereditary; Tumor predisposition; Hereditary Cancer Syndrome. Identifiers: Orphanet 140162, MedGen C0027672, MeSH D009386, MONDO:0015356.
Microcephaly, normal intelligence and immunodeficiency (NBS). Also called: IMMUNODEFICIENCY, MICROCEPHALY, AND CHROMOSOMAL INSTABILITY; SEEMANOVA SYNDROME II; Nijmegen breakage syndrome; Microcephaly with normal intelligence immunodeficiency and lymphoreticular malignancies; Nonsyndromal microcephaly autosomal recessive with normal intelligence; Seemanova syndrome 2. Identifiers: Orphanet 647, MedGen C0398791, MONDO:0009623, OMIM 251260.

Allele frequency attached by ClinVar (database versions not stated): gnomAD exomes below 0.00001.
gnomAD v4.1: 1 of 1,609,446 alleles (0.000062%); highest among the groups gnomAD compares: African/African-American, 0.0013%; no homozygotes.

Submissions (3):

Labcorp Genetics (formerly Invitae), Labcorp
Classification: Likely benign for Microcephaly, normal intelligence and immunodeficiency. Last evaluated: 2023-09-09. Review status: criteria provided, single submitter. Criteria: Invitae Variant Classification Sherloc (09022015). Collection method: clinical testing. Allele origin: germline.

GeneDx
Classification: Likely benign. Last evaluated: 2018-02-05. Review status: criteria provided, single submitter. Criteria: GeneDx Variant Classification (06012015). Collection method: clinical testing. Allele origin: germline. Affected: yes.
Comment: This variant is considered likely benign or benign based on one or more of the following criteria: it is a conservative change, it occurs at a poorly conserved position in the protein, it is predicted to be benign by multiple in silico algorithms, and/or has population frequency not consistent with disease.

Ambry Genetics
Classification: Likely benign for Hereditary cancer-predisposing syndrome. Last evaluated: 2016-08-31. Review status: criteria provided, single submitter. Criteria: Ambry Variant Classification Scheme 2023. Collection method: clinical testing. Allele origin: germline.

NM_002485.5(NBN):c.924A>G (p.Ala308=)

Gene: NBN (nibrin; minus strand). Cytogenetic location: 8q21.3.
Variant type: single nucleotide variant.
Coding change: c.924A>G on transcript NM_002485.5 (MANE Select); coding-DNA position 924, A replaced by G.
Protein change: p.Ala308=; no amino-acid change (alanine 308 retained).
Molecular consequence: synonymous variant.
Genome position (GRCh38, 1-based): chr8:89,964,480, T>C on the plus strand (A>G on the coding strand, the complement: NBN is on the minus strand). VCF-style: chr8-89964480-T-C. GRCh37 (hg19) VCF-style: chr8-90976708-T-C.
Other names: c.678A>G, p.Ala226= (NM_001024688.3).
Identifiers: ClinVar variation 481856 (VCV000481856.16), dbSNP rs1554562173, ClinGen allele CA461830744.